The following is an entry in ClinVar:

NM_002878.4(RAD51D):c.520G>T (p.Asp174Tyr)

Genes: RAD51D (RAD51 paralog D; minus strand), RAD51L3-RFFL (RAD51L3-RFFL readthrough; minus strand). Cytogenetic location: 17q12.
Variant type: single nucleotide variant.
Coding change: c.520G>T on transcript NM_002878.4 (MANE Select); coding-DNA position 520, G replaced by T.
Protein change: p.Asp174Tyr; replaces aspartic acid 174 with tyrosine.
Molecular consequence: missense variant. On other transcripts: non-coding transcript variant (3).
Genome position (GRCh38, 1-based): chr17:35,106,442, C>A on the plus strand (G>T on the coding strand, the complement: RAD51D is on the minus strand). VCF-style: chr17-35106442-C-A. GRCh37 (hg19) VCF-style: chr17-33433461-C-A.
Other names: c.580G>T, p.Asp194Tyr (NM_001142571.2); c.184G>T, p.Asp62Tyr (NM_133629.3); short protein forms D174Y, D194Y, D62Y.
Identifiers: ClinVar variation 480528 (VCV000480528.5), dbSNP rs1555568152, ClinGen allele CA399088841.

ClinVar aggregate classification (germline): Uncertain significance (1 of 4 stars; one submission).

Conditions:
Hereditary cancer-predisposing syndrome. Also called: Hereditary Cancer Syndrome; Neoplastic Syndromes, Hereditary; Tumor predisposition; Hereditary neoplastic syndrome. Identifiers: Orphanet 140162, MedGen C0027672, MeSH D009386, MONDO:0015356.

Submission:

Ambry Genetics
Classification: Uncertain significance for Hereditary cancer-predisposing syndrome. Last evaluated: 2016-01-26. Review status: criteria provided, single submitter. Criteria: Ambry Variant Classification Scheme 2023. Collection method: clinical testing. Allele origin: germline.
Comment: The p.D174Y variant (also known as c.520G>T), located in coding exon 6 of the RAD51D gene, results from a G to T substitution at nucleotide position 520. The aspartic acid at codon 174 is replaced by tyrosine, an amino acid with highly dissimilar properties. This variant was not reported in population based cohorts in the following databases: Database of Single Nucleotide Polymorphisms (dbSNP), NHLBI Exome Sequencing Project (ESP), and 1000 Genomes Project. In the ESP, this variant was not observed in 6503 samples (13006 alleles) with coverage at this position. To date, this alteration has been detected with an allele frequency of approximately 0.001% (greater than 110000 alleles tested) in our clinical cohort. This amino acid position is not conserved on species alignment. In addition, this alteration is predicted to be deleterious by in silico analysis. Since supporting evidence is limited at this time, the clinical significance of this alteration remains unclear.